The following is an entry in ClinVar:

ClinVar aggregate classification (germline): Likely benign. Review status: criteria provided, multiple submitters, no conflicts (2 of 4 stars). 3 submissions from 3 submitters: Likely benign (3). Last evaluated 2024-07-17.

Conditions:
Inborn genetic diseases. Identifiers: MedGen C0950123, MeSH D030342.

Allele frequency attached by ClinVar (database versions not stated): 1000 Genomes Project 0.00020; gnomAD 0.00001; TOPMed 0.00001; ExAC 0.00004; 1000 Genomes Project 30x 0.00016.
gnomAD v4.1: 14 of 1,614,150 alleles (0.00087%); highest among the groups gnomAD compares: Admixed American, 0.0033%; no homozygotes.

Submissions (3):

Blueprint Genetics
Classification: Likely benign. Last evaluated: 2024-07-17. Review status: criteria provided, single submitter. Criteria: ACMG Guidelines, 2015. Collection method: clinical testing. Allele origin: germline.

Ambry Genetics
Classification: Likely benign for Inborn genetic diseases. Last evaluated: 2019-07-11. Review status: criteria provided, single submitter. Criteria: Ambry Variant Classification Scheme 2023. Collection method: clinical testing. Allele origin: germline.

GeneDx
Classification: Likely benign. Last evaluated: 2017-01-12. Review status: criteria provided, single submitter. Criteria: GeneDx Variant Classification (06012015). Collection method: clinical testing. Allele origin: germline. Affected: yes.
Comment: This variant is considered likely benign or benign based on one or more of the following criteria: it is a conservative change, it occurs at a poorly conserved position in the protein, it is predicted to be benign by multiple in silico algorithms, and/or has population frequency not consistent with disease.

NM_001003800.2(BICD2):c.918C>T (p.Gly306=)

Gene: BICD2 (BICD cargo adaptor 2; minus strand). Cytogenetic location: 9q22.31.
Variant type: single nucleotide variant.
Coding change: c.918C>T on transcript NM_001003800.2 (MANE Select); coding-DNA position 918, C replaced by T.
Protein change: p.Gly306=; no amino-acid change (glycine 306 retained).
Molecular consequence: synonymous variant.
Genome position (GRCh38, 1-based): chr9:92,720,444, G>A on the plus strand (C>T on the coding strand, the complement: BICD2 is on the minus strand). VCF-style: chr9-92720444-G-A. GRCh37 (hg19) VCF-style: chr9-95482726-G-A.
Other names: c.918C>T, p.Gly306= (NM_015250.4).
Identifiers: ClinVar variation 392686 (VCV000392686.4), dbSNP rs540280844, ClinGen allele CA5126697.
Genomic context (GRCh38, chr9:92,720,444, plus strand): 5'-TGCGAGGCCCTCCTTCTTGGGCGTGGAGGTCTTGTTGTCCAGTGGCAGCTTGGCCAGGCC[G>A]CCGTGCTCAAAGCCATTGACCAGGGCCTCGGCATCGTTGTTGGGCTCGGCAGCATCGTCA-3'
Protein context (NP_001003800.1, residues 296-316): AEALVNGFEH[Gly306=]GLAKLPLDNK